The following is an entry in ClinVar:

NM_001197104.2(KMT2A):c.9064A>G (p.Asn3022Asp)

Gene: KMT2A (lysine methyltransferase 2A; plus strand). Cytogenetic location: 11q23.3.
Variant type: single nucleotide variant.
Coding change: c.9064A>G on transcript NM_001197104.2 (MANE Select); coding-DNA position 9064, A replaced by G.
Protein change: p.Asn3022Asp; replaces asparagine 3022 with aspartic acid.
Molecular consequence: missense variant.
Genome position (GRCh38, 1-based): chr11:118,504,956, A>G. VCF-style: chr11-118504956-A-G. GRCh37 (hg19) VCF-style: chr11-118375671-A-G.
Other names: c.9154A>G, p.Asn3052Asp (NM_001412597.1); c.9055A>G, p.Asn3019Asp (NM_005933.4); short protein forms N3052D, N3019D, N3022D.
Identifiers: ClinVar variation 2707700 (VCV002707700.3), dbSNP rs2497015418, ClinGen allele CA382818070.
Genomic context (GRCh38, chr11:118,504,956, plus strand): 5'-ATGGATGCAGACCACATCTCTAGCCCTCCTTGTGGTTCAGTAGAGCAAGGTCATGGCAAC[A>G]ATCAGGATTTAACTAGGAACAGTAGCACCCCTGGCCTTCAGGTACCTGTTTCCCCAACTG-3'
Protein context (NP_001184033.1, residues 3012-3032): CGSVEQGHGN[Asn3022Asp]QDLTRNSSTP

ClinVar aggregate classification (germline): Uncertain significance (1 of 4 stars; one submission).

Submission:

Labcorp Genetics (formerly Invitae), Labcorp
Classification: Uncertain significance. Last evaluated: 2024-01-26. Review status: criteria provided, single submitter. Criteria: Invitae Variant Classification Sherloc (09022015). Collection method: clinical testing. Allele origin: germline.
Comment: This sequence change replaces asparagine, which is neutral and polar, with aspartic acid, which is acidic and polar, at codon 3022 of the KMT2A protein (p.Asn3022Asp). This variant is not present in population databases (gnomAD no frequency). This variant has not been reported in the literature in individuals affected with KMT2A-related conditions. Advanced modeling of protein sequence and biophysical properties (such as structural, functional, and spatial information, amino acid conservation, physicochemical variation, residue mobility, and thermodynamic stability) performed at Invitae indicates that this missense variant is not expected to disrupt KMT2A protein function with a negative predictive value of 95%. In summary, the available evidence is currently insufficient to determine the role of this variant in disease. Therefore, it has been classified as a Variant of Uncertain Significance.